The following is an entry in ClinVar:

ClinVar aggregate classification (germline): Benign (1 of 4 stars; one submission).

Conditions:
Triglyceride storage disease with ichthyosis (CDS). Also called: Dorfman-Chanarin disease; ICHTHYOSIFORM ERYTHRODERMA WITH LEUKOCYTE VACUOLATION; TRIGLYCERIDE STORAGE DISEASE WITH IMPAIRED LONG-CHAIN FATTY ACID OXIDATION; Chanarin-Dorfman Syndrome. Identifiers: Orphanet 98907, MedGen C0268238, MONDO:0010155, OMIM 275630.

Allele frequency attached by ClinVar (database versions not stated): gnomAD 0.00743 and 0.00797; TOPMed 0.00835; 1000 Genomes Project 0.00859; 1000 Genomes Project 30x 0.00984.

Submission:

Illumina Laboratory Services, Illumina
Classification: Benign for Triglyceride storage disease with ichthyosis. Last evaluated: 2018-01-12. Review status: criteria provided, single submitter. Criteria: ICSL Variant Classification Criteria 13 December 2019. Collection method: clinical testing. Allele origin: germline.
Comment: This variant was observed in the ICSL laboratory as part of a predisposition screen in an ostensibly healthy population. It had not been previously curated by ICSL or reported in the Human Gene Mutation Database (HGMD: prior to June 1st, 2018), and was therefore a candidate for classification through an automated scoring system. Utilizing variant allele frequency, disease prevalence and penetrance estimates, and inheritance mode, an automated score was calculated to assess if this variant is too frequent to cause the disease. Based on the score and internal cut-off values, a variant classified as benign is not then subjected to further curation. The score for this variant resulted in a classification of benign for this disease.

NM_016006.6(ABHD5):c.*2508A>G

Gene: ABHD5 (abhydrolase domain containing 5, lysophosphatidic acid acyltransferase; plus strand). Cytogenetic location: 3p21.33.
Variant type: single nucleotide variant.
Coding change: c.*2508A>G on transcript NM_016006.6 (MANE Select); 2508 bases downstream of the stop codon, A replaced by G.
Molecular consequence: 3 prime UTR variant. On other transcripts: non-coding transcript variant (1), intron variant (1).
Genome position (GRCh38, 1-based): chr3:43,721,040, A>G. VCF-style: chr3-43721040-A-G. GRCh37 (hg19) VCF-style: chr3-43762532-A-G.
Other names: c.*2508A>G (NM_001365649.1); c.*2534A>G (NM_001365650.1); c.29+2479A>G (NM_001355186.2).
Identifiers: ClinVar variation 345264 (VCV000345264.5), dbSNP rs75590382, ClinGen allele CA10618833.
Genomic context (GRCh38, chr3:43,721,040, plus strand): 5'-TCATTCATATATGTAATATATATTTATACTTAAAGGGCCATACGCGATTTCAATAAAACA[A>G]GAAGTACTGGAAAGAATAAACAAAAATAGCCAGAAGATGCCTAGAAAAGAACAATGTGGA-3'